The following is an entry in ClinVar:

ClinVar aggregate classification (germline): Uncertain significance (1 of 4 stars; one submission).

Conditions:
Mendelian susceptibility to mycobacterial diseases due to complete IL12B deficiency. Also called: IL12B DEFICIENCY; Immunodeficiency 29. Identifiers: Orphanet 319558, MedGen C4013948, MONDO:0013954, OMIM 614890.

gnomAD v4.1: 1 of 1,614,128 alleles (0.000062%); highest among the groups gnomAD compares: Non-Finnish European, 0.000085%; no homozygotes.

Submission:

Labcorp Genetics (formerly Invitae), Labcorp
Classification: Uncertain significance for Mendelian susceptibility to mycobacterial diseases due to complete IL12B deficiency. Last evaluated: 2024-10-21. Review status: criteria provided, single submitter. Criteria: Invitae Variant Classification Sherloc (09022015). Collection method: clinical testing. Allele origin: germline.
Comment: This sequence change replaces glutamic acid, which is acidic and polar, with aspartic acid, which is acidic and polar, at codon 67 of the IL12B protein (p.Glu67Asp). This variant is present in population databases (no rsID available, gnomAD 0.0008%). This variant has not been reported in the literature in individuals affected with IL12B-related conditions. ClinVar contains an entry for this variant (Variation ID: 1928992). Invitae Evidence Modeling of protein sequence and biophysical properties (such as structural, functional, and spatial information, amino acid conservation, physicochemical variation, residue mobility, and thermodynamic stability) indicates that this missense variant is not expected to disrupt IL12B protein function with a negative predictive value of 80%. In summary, the available evidence is currently insufficient to determine the role of this variant in disease. Therefore, it has been classified as a Variant of Uncertain Significance.

NM_002187.3(IL12B):c.201G>T (p.Glu67Asp)

Gene: IL12B (interleukin 12B; minus strand). Cytogenetic location: 5q33.3.
Variant type: single nucleotide variant.
Coding change: c.201G>T on transcript NM_002187.3 (MANE Select); coding-DNA position 201, G replaced by T.
Protein change: p.Glu67Asp; replaces glutamic acid 67 with aspartic acid.
Molecular consequence: missense variant.
Genome position (GRCh38, 1-based): chr5:159,323,217, C>A on the plus strand (G>T on the coding strand, the complement: IL12B is on the minus strand). VCF-style: chr5-159323217-C-A. GRCh37 (hg19) VCF-style: chr5-158750225-C-A.
Other names: short protein forms E67D.
Identifiers: ClinVar variation 1928992 (VCV001928992.5), dbSNP rs986782158, ClinGen allele CA362036289.